The following is an entry in ClinVar:

NM_175914.5(HNF4A):c.577G>T (p.Asp193Tyr)

Gene: HNF4A (hepatocyte nuclear factor 4 alpha; plus strand). Cytogenetic location: 20q13.12.
Variant type: single nucleotide variant.
Coding change: c.577G>T on transcript NM_175914.5 (MANE Select); coding-DNA position 577, G replaced by T.
Protein change: p.Asp193Tyr; replaces aspartic acid 193 with tyrosine.
Molecular consequence: missense variant.
Genome position (GRCh38, 1-based): chr20:44,414,657, G>T. VCF-style: chr20-44414657-G-T. GRCh37 (hg19) VCF-style: chr20-43043297-G-T.
Other names: NM_175914.5:c.577G>T; c.643G>T, p.Asp215Tyr (NM_000457.6, NM_178849.3, NM_178850.3); c.577G>T, p.Asp193Tyr (NM_001030003.3, NM_001030004.3); c.622G>T, p.Asp208Tyr (NM_001258355.2); c.568G>T, p.Asp190Tyr (NM_001287182.2, NM_001287183.2, NM_001287184.2); short protein forms D190Y, D193Y, D208Y, D215Y.
Identifiers: ClinVar variation 2580600 (VCV002580600.4), dbSNP rs768043933, ClinGen allele CA409106265.

ClinVar aggregate classification (germline): Likely pathogenic. Review status: reviewed by expert panel (3 of 4 stars). 4 submissions from 4 submitters: Likely pathogenic (1). 3 of the submissions do not count toward it. Last evaluated 2024-05-09.

Conditions:
Maturity-onset diabetes of the young type 1. Also called: MILD JUVENILE DIABETES MELLITUS; MODY type 1; Diabetes mellitus MODY type 1; MODY HNF4A related; HNF4A-Related Maturity-Onset Diabetes of the Young Type 1; MODY, type I. Identifiers: Orphanet 552, MedGen C1852093, MONDO:0007452, OMIM 125850. Disease mechanism: loss of function.
Monogenic diabetes. Identifiers: Orphanet 183625, MedGen C3888631, MONDO:0015967.

Submissions (4):

ClinGen Monogenic Diabetes Variant Curation Expert Panel
Classification: Likely pathogenic for Monogenic diabetes. Last evaluated: 2024-05-09. Review status: reviewed by expert panel. Criteria: ClinGen Diabetes ACMG Specifications HNF4A V2.0.0. Collection method: curation. Allele origin: germline. Inheritance: Autosomal dominant inheritance.
Comment: The c,577G>T variant in the hepatocyte nuclear factor 4-alpha gene, HNF4A, causes an amino acid change of aspartic acid to tyrosine (p.(Asp193Tyr)) of NM_175914.5. This variant is located within the ligand-binding domain (codons 180-220) of HNF4A, which is defined as critical for the protein’s function by the ClinGen MDEP (PM1_Supporting). This variant is predicted to be deleterious by computational evidence, with a REVEL score of 0.951, which is greater than the MDEP VCEP threshold of 0.70 (PP3). However, functional studies demonstrated the p.Asp193Tyr protein has transactivation above 75% of wildtype, indicating that this variant does not impact protein function (BS3_Supporting; PMID: 21323639). This variant is absent in gnomAD v2.1.1 (PM2_Supporting), and was identified in at least four unrelated individuals/families with non-autoimmune and non-absolute/near-absolute insulin-deficient diabetes (PS4_Moderate; PMID: 17407387, 15830177, internal lab contributors). This variant segregated with diabetes, with at least 12 informative meioses in families with MODY (PP1_Strong; PMID: 17407387, internal lab contributors). At least one individual also had a clinical history highly specific for HNF4A-MODY monogenic diabetes (MODY probability calculator result >50%, negative genetic testing for HNF1A, and history of LGA infant in the absence of maternal hyperglycemia) (PP4_Moderate; internal lab contributor). In summary, c.577G>T meets the criteria to be classified as likely pathogenic for monogenic diabetes. ACMG/AMP criteria applied, as specified by the ClinGen MDEP (specification version 2.0.0, approved 10/11/2023): PP1_Strong, PP4_Moderate, PS4_Moderate, PP3, PM1_Supporting, PM2_Suppoting, BS3_Supporting.

Cardiovascular Genetics Laboratory, PathWest Laboratory Medicine WA - Fiona Stanley Hospital
Classification: Likely pathogenic for Maturity-onset diabetes of the young type 1. Last evaluated: 2023-09-11. Review status: criteria provided, single submitter. Criteria: ACMG Guidelines, 2015. Collection method: clinical testing. Allele origin: germline. Affected: yes. Not counted in ClinVar's aggregate classification.
Comment: The HNF4A p.Asp193Tyr missense variant is absent from the gnomAD population database (~250,000 alleles) and in silico analysis suggests this variant has a deleterious effect on protein structure and function (REVEL score 0.951). It has previously been reported as p.Asp206Tyr (p.D206Y) and was shown to segregate with diabetes in several relatives, and neonatal hypoglycaemia in their offspring (PMID:17407387).

GeneDx
Classification: Uncertain significance. Last evaluated: 2023-03-21. Review status: criteria provided, single submitter. Criteria: GeneDx Variant Classification Process June 2021. Collection method: clinical testing. Allele origin: germline. Affected: yes. Not counted in ClinVar's aggregate classification.
Comment: Not observed at significant frequency in large population cohorts (gnomAD); In silico analysis supports that this missense variant has a deleterious effect on protein structure/function; This variant is associated with the following publications: (PMID: 21323639, 17407387, 15830177)

Athena Diagnostics
Classification: Likely pathogenic. Last evaluated: 2023-02-16. Review status: criteria provided, single submitter. Criteria: Athena Diagnostics Criteria. Collection method: clinical testing. Allele origin: unknown. Not counted in ClinVar's aggregate classification.
Comment: This variant has been identified in several unrelated individuals with clinical features associated with this gene and appears to segregate with disease in one family. This variant has not been reported in large, multi-ethnic general populations. Assessment of experimental evidence regarding the effect of this variant on protein function is inconclusive. The reduction in the mutant protein’s transactivation activity is not consistent with known MODY-causing variants (PMID: 21323639). In some published literature, this variant is referred to as Asp193Tyr and Asp206Tyr.

Literature cited by the submitters: PubMed 17407387 (cited by Cardiovascular Genetics Laboratory, PathWest Laboratory Medicine WA - Fiona Stanley Hospital); PubMed 15830177 (cited by Athena Diagnostics); PubMed 21323639 (cited by Athena Diagnostics); PubMed 36257325 (cited by Athena Diagnostics); PubMed 30191603 (cited by Athena Diagnostics); PubMed 23348805 (cited by Athena Diagnostics).